The following is an entry in ClinVar:

ClinVar aggregate classification (germline): Benign. Review status: criteria provided, multiple submitters, no conflicts (2 of 4 stars). 5 submissions from 5 submitters: Benign (5). Last evaluated 2026-01-28.

Conditions:
Congenital myasthenic syndrome 5. Identifiers: Orphanet 590, MedGen C1864233, MONDO:0011281, OMIM 603034.

Allele frequency attached by ClinVar (database versions not stated): gnomAD 0.02543 and 0.02370; gnomAD exomes 0.00628; 1000 Genomes Project 30x 0.02655; TOPMed 0.02509; 1000 Genomes Project 0.02536; ESP Exome Variant Server 0.02783.
gnomAD v4.1: 7,284 of 1,613,546 alleles (0.45%); highest among the groups gnomAD compares: African/African-American, 8.1%; 259 homozygotes.

Submissions (5):

Labcorp Genetics (formerly Invitae), Labcorp
Classification: Benign for Congenital myasthenic syndrome 5. Last evaluated: 2026-01-28. Review status: criteria provided, single submitter. Criteria: Invitae Variant Classification Sherloc (09022015). Collection method: clinical testing. Allele origin: germline.

Illumina Laboratory Services, Illumina
Classification: Benign for Congenital myasthenic syndrome 5. Last evaluated: 2018-01-13. Review status: criteria provided, single submitter. Criteria: ICSL Variant Classification Criteria 13 December 2019. Collection method: clinical testing. Allele origin: germline.
Comment: This variant was observed in the ICSL laboratory as part of a predisposition screen in an ostensibly healthy population. It had not been previously curated by ICSL or reported in the Human Gene Mutation Database (HGMD: prior to June 1st, 2018), and was therefore a candidate for classification through an automated scoring system. Utilizing variant allele frequency, disease prevalence and penetrance estimates, and inheritance mode, an automated score was calculated to assess if this variant is too frequent to cause the disease. Based on the score and internal cut-off values, a variant classified as benign is not then subjected to further curation. The score for this variant resulted in a classification of benign for this disease.

GeneDx
Classification: Benign. Last evaluated: 2016-09-20. Review status: criteria provided, single submitter. Criteria: GeneDx Variant Classification (06012015). Collection method: clinical testing. Allele origin: germline. Affected: yes.
Comment: This variant is considered likely benign or benign based on one or more of the following criteria: it is a conservative change, it occurs at a poorly conserved position in the protein, it is predicted to be benign by multiple in silico algorithms, and/or has population frequency not consistent with disease.

Breakthrough Genomics
Classification: Benign. Review status: criteria provided, single submitter. Criteria: ACMG Guidelines, 2015. Collection method: not provided. Allele origin: germline. Inheritance: Autosomal recessive inheritance. Affected: yes.

PreventionGenetics, part of Exact Sciences
Classification: Benign. Review status: criteria provided, single submitter. Criteria: ACMG Guidelines, 2015. Collection method: clinical testing. Allele origin: germline.

NM_005677.4(COLQ):c.556-15A>G

Gene: COLQ (collagen like tail subunit of asymmetric acetylcholinesterase; minus strand). Cytogenetic location: 3p25.1.
Variant type: single nucleotide variant.
Coding change: c.556-15A>G on transcript NM_005677.4 (MANE Select); 15 bases into the intron before coding-DNA position 556, A replaced by G.
Molecular consequence: intron variant.
Genome position (GRCh38, 1-based): chr3:15,474,287, T>C on the plus strand (A>G on the coding strand, the complement: COLQ is on the minus strand). VCF-style: chr3-15474287-T-C. GRCh37 (hg19) VCF-style: chr3-15515794-T-C.
Other names: c.454-15A>G (NM_080539.4); c.526-15A>G (NM_080538.2).
Identifiers: ClinVar variation 259861 (VCV000259861.14), dbSNP rs57376327, ClinGen allele CA2276096.
Genomic context (GRCh38, chr3:15,474,287, plus strand): 5'-CCTTTTCTCCTTTGGGACCCAGGTCACCCTTTTCACCTCTGGATCCCTAGGAAGAAACCA[T>C]AGGAGAAAGTCAATGAGTTAATATCCTGGGAGGGAAATTCAAGCATTTCAAACTGAAAAG-3'